The following is an entry in ClinVar:

ClinVar aggregate classification (germline): Conflicting classifications of pathogenicity. Review status: criteria provided, conflicting classifications (1 of 4 stars). 2 submissions from 2 submitters: Likely pathogenic (1); Uncertain significance (1). Last evaluated 2024-02-24.

Conditions:
Epidermolysis bullosa, junctional 5A, intermediate. Also called: EPIDERMOLYSIS BULLOSA, JUNCTIONAL 5A, NON-HERLITZ TYPE; EPIDERMOLYSIS BULLOSA, JUNCTIONAL 5A, GENERALIZED INTERMEDIATE. Identifiers: MedGen C5676956, MONDO:0030768, OMIM 619816.
Junctional epidermolysis bullosa with pyloric atresia. Also called: ITGB4-Related Epidermolysis Bullosa with Pyloric Atresia; ITGA6-Related Epidermolysis Bullosa with Pyloric Atresia; EPIDERMOLYSIS BULLOSA, JUNCTIONAL 5B, WITH PYLORIC ATRESIA; APLASIA CUTIS CONGENITA WITH GASTROINTESTINAL ATRESIA; CARMI SYNDROME; EB-PA-ACC. Identifiers: Orphanet 79403, MedGen C5676875, MONDO:0009183, OMIM 226730.

Submissions (2):

Fulgent Genetics
Classification: Uncertain significance for Junctional epidermolysis bullosa with pyloric atresia; Epidermolysis bullosa, junctional 5A, intermediate. Last evaluated: 2024-02-24. Review status: criteria provided, single submitter. Criteria: ACMG Guidelines, 2015. Collection method: clinical testing. Allele origin: germline.

GeneDx
Classification: Likely pathogenic. Last evaluated: 2023-08-19. Review status: criteria provided, single submitter. Criteria: GeneDx Variant Classification Process June 2021. Collection method: clinical testing. Allele origin: germline. Affected: yes.
Comment: In-frame deletion of one amino acid in a non-repeat region; In silico analysis supports a deleterious effect on protein structure/function; This variant is associated with the following publications: (PMID: 35579050, 14705814, 20596088)

NM_000213.5(ITGB4):c.950ACA[1] (p.Asn318del)

Gene: ITGB4 (integrin subunit beta 4; plus strand). Cytogenetic location: 17q25.1.
Variant type: Microsatellite.
Coding change: c.950ACA[1] on transcript NM_000213.5 (MANE Select); one copy of the 3-base unit ACA starting at c.950; the reference has two copies in a row; one copy, 3 bases deleted.
Protein change: p.Asn318del; deletes asparagine 318.
Molecular consequence: inframe deletion. On other transcripts: inframe indel (1).
Genome position (GRCh38, 1-based): chr17:75,730,455-75,730,457, ACA deleted; deleting any 3 consecutive bases within chr17:75,730,452-75,730,457 gives the same sequence; the position shown is the placement nearest the transcript's 3' end. VCF-style (leftmost placement, unchanged base first): chr17-75730451-CACA-C. GRCh37 (hg19) VCF-style: chr17-73726532-CACA-C.
Other names: c.953_955del (NM_001005731.3); c.950_952ACA[1], p.Asn318del (NM_001005619.2); c.950ACA[1], p.Asn318del (NM_001005731.3, NM_001321123.2); short protein forms N318del.
Identifiers: ClinVar variation 3252890 (VCV003252890.2), dbSNP rs778801524.